The following is an entry in ClinVar:

ClinVar aggregate classification (germline): Uncertain significance. Review status: criteria provided, multiple submitters, no conflicts (2 of 4 stars). 2 submissions from 2 submitters: Uncertain significance (2). Last evaluated 2025-08-10.

Conditions:
Multiple acyl-CoA dehydrogenase deficiency (MADD). Also called: Glutaric aciduria, type 2; ETHYLMALONIC-ADIPICACIDURIA; GA II; Glutaric Acidemia type 2; Glutaric acidemia type II; GA 2. Identifiers: Orphanet 26791, MedGen C0268596, MONDO:0009282, OMIM 231680.
Inborn genetic diseases. Identifiers: MedGen C0950123, MeSH D030342.

gnomAD v4.1: 16 of 1,614,002 alleles (0.00099%); highest among the groups gnomAD compares: Admixed American, 0.0067%; no homozygotes.

Submissions (2):

Ambry Genetics
Classification: Uncertain significance for Inborn genetic diseases. Last evaluated: 2025-08-10. Review status: criteria provided, single submitter. Criteria: Ambry Variant Classification Scheme 2023. Collection method: clinical testing. Allele origin: germline.

Labcorp Genetics (formerly Invitae), Labcorp
Classification: Uncertain significance for Multiple acyl-CoA dehydrogenase deficiency. Last evaluated: 2022-08-13. Review status: criteria provided, single submitter. Criteria: Invitae Variant Classification Sherloc (09022015). Collection method: clinical testing. Allele origin: germline.
Comment: This sequence change replaces arginine, which is basic and polar, with glutamine, which is neutral and polar, at codon 21 of the ETFB protein (p.Arg21Gln). This variant is present in population databases (no rsID available, gnomAD 0.003%). This variant has not been reported in the literature in individuals affected with ETFB-related conditions. ClinVar contains an entry for this variant (Variation ID: 1478109). Algorithms developed to predict the effect of missense changes on protein structure and function (SIFT, PolyPhen-2, Align-GVGD) all suggest that this variant is likely to be disruptive. In summary, the available evidence is currently insufficient to determine the role of this variant in disease. Therefore, it has been classified as a Variant of Uncertain Significance.

NM_001985.3(ETFB):c.62G>A (p.Arg21Gln)

Gene: ETFB (electron transfer flavoprotein subunit beta; minus strand). Cytogenetic location: 19q13.41.
Variant type: single nucleotide variant.
Coding change: c.62G>A on transcript NM_001985.3 (MANE Select); coding-DNA position 62, G replaced by A.
Protein change: p.Arg21Gln; replaces arginine 21 with glutamine.
Molecular consequence: missense variant.
Genome position (GRCh38, 1-based): chr19:51,354,304, C>T on the plus strand (G>A on the coding strand, the complement: ETFB is on the minus strand). VCF-style: chr19-51354304-C-T. GRCh37 (hg19) VCF-style: chr19-51857558-C-T.
Other names: c.62G>A (NM_001985.2); c.335G>A, p.Arg112Gln (NM_001014763.1); short protein forms R112Q, R21Q.
Identifiers: ClinVar variation 1478109 (VCV001478109.4), dbSNP rs369216610, ClinGen allele CA309738061.
Genomic context (GRCh38, chr19:51,354,304, plus strand): 5'-AAGGGGTTCATGGAGTGCTTCACACCATCCGTGACCACACCGGTCCTGTCAGGCTTCACT[C>T]GGATCTGCCCAGCAGGAGGGGAAGGGGTGGGGTCAGGAGGAAACAGGCAAGAAGGTGGGG-3'
Protein context (NP_001976.1, residues 11-31): KRVIDYAVKI[Arg21Gln]VKPDRTGVVT